The following is an entry in ClinVar:

ClinVar aggregate classification (germline): Uncertain significance. Review status: criteria provided, multiple submitters, no conflicts (2 of 4 stars). 2 submissions from 2 submitters: Uncertain significance (2). Last evaluated 2024-03-06.

Conditions:
Catecholaminergic polymorphic ventricular tachycardia (CVPT). Also called: Catecholamine-induced polymorphic ventricular tachycardia. Identifiers: Orphanet 3286, MedGen C5574922, MONDO:0017990.
Cardiomyopathy (CMYO). Also called: Cardiomyopathies. Identifiers: Orphanet 167848, MedGen C0878544, MONDO:0004994, HP:0001638. Inheritance: Various modes of inheritance.

Allele frequency attached by ClinVar (database versions not stated): TOPMed below 0.00001.

Submissions (2):

Color Diagnostics, LLC DBA Color Health
Classification: Uncertain significance for Cardiomyopathy. Last evaluated: 2024-03-06. Review status: criteria provided, single submitter. Criteria: ACMG Guidelines, 2015. Collection method: clinical testing. Allele origin: germline.
Comment: This missense variant replaces glutamic acid with lysine at codon 2415 of the RYR2 protein. Computational prediction suggests that this variant may have deleterious impact on protein structure and function (internally defined REVEL score threshold >= 0.7, PMID: 27666373). To our knowledge, functional studies have not been reported for this variant. This variant has not been reported in individuals affected with RYR2-related disorders in the literature. This variant has not been identified in the general population by the Genome Aggregation Database (gnomAD). The available evidence is insufficient to determine the role of this variant in disease conclusively. Therefore, this variant is classified as a Variant of Uncertain Significance.

All of Us Research Program, National Institutes of Health
Classification: Uncertain significance for Catecholaminergic polymorphic ventricular tachycardia. Last evaluated: 2023-10-02. Review status: criteria provided, single submitter. Criteria: ACMG Guidelines, 2015. Collection method: clinical testing. Allele origin: germline. Inheritance: Autosomal dominant inheritance. Observed: 1 variant allele, 1 heterozygote.
Comment: This missense variant replaces glutamic acid with lysine at codon 2415 of the RYR2 protein. Computational prediction suggests that this variant may have deleterious impact on protein structure and function (internally defined REVEL score threshold >= 0.7, PMID: 27666373). Splice site prediction tools suggest that this variant may not impact RNA splicing. To our knowledge, functional studies have not been performed for this variant. This variant has not been reported in individuals affected with cardiovascular disorders in the literature. This variant has not been identified in the general population by the Genome Aggregation Database (gnomAD). The available evidence is insufficient to determine the role of this variant in disease conclusively. Therefore, this variant is classified as a Variant of Uncertain Significance.

This study involves interpretation of variants in research participants for the purpose of population health screening. Participant phenotype was not available at the time of variant classification. Additional details can be found in publication PMID: 35346344, PMCID: PMC8962531

NM_001035.3(RYR2):c.7243G>A (p.Glu2415Lys)

Gene: RYR2 (ryanodine receptor 2; plus strand). Cytogenetic location: 1q43.
Variant type: single nucleotide variant.
Coding change: c.7243G>A on transcript NM_001035.3 (MANE Select); coding-DNA position 7243, G replaced by A.
Protein change: p.Glu2415Lys; replaces glutamic acid 2415 with lysine.
Molecular consequence: missense variant.
Genome position (GRCh38, 1-based): chr1:237,643,348, G>A. VCF-style: chr1-237643348-G-A. GRCh37 (hg19) VCF-style: chr1-237806648-G-A.
Other names: short protein forms E2415K.
Identifiers: ClinVar variation 921219 (VCV000921219.6), dbSNP rs1573300819, ClinGen allele CA345396896.